The following is an entry in ClinVar:

ClinVar aggregate classification (germline): Benign (1 of 4 stars; one submission).

Allele frequency attached by ClinVar (database versions not stated): TOPMed 0.43390 and 0.43920; 1000 Genomes Project 0.39357; gnomAD 0.45766.
gnomAD v4.1: 68,454 of 151,854 alleles (45%); highest among the groups gnomAD compares: Admixed American, 58%; 16,821 homozygotes.

Submission:

GeneDx
Classification: Benign. Last evaluated: 2018-06-14. Review status: criteria provided, single submitter. Criteria: GeneDx Variant Classification (06012015). Collection method: clinical testing. Allele origin: germline. Affected: yes.
Comment: This variant is considered likely benign or benign based on one or more of the following criteria: it is a conservative change, it occurs at a poorly conserved position in the protein, it is predicted to be benign by multiple in silico algorithms, and/or has population frequency not consistent with disease.

NM_001849.4(COL6A2):c.1395+234G>A

Gene: COL6A2 (collagen type VI alpha 2 chain; plus strand). Cytogenetic location: 21q22.3.
Variant type: single nucleotide variant.
Coding change: c.1395+234G>A on transcript NM_001849.4 (MANE Select); 234 bases into the intron after coding-DNA position 1395, G replaced by A.
Molecular consequence: intron variant.
Genome position (GRCh38, 1-based): chr21:46,120,811, G>A. VCF-style: chr21-46120811-G-A. GRCh37 (hg19) VCF-style: chr21-47540725-G-A.
Other names: c.1395+234G>A (NM_058175.3, NM_058174.3).
Identifiers: ClinVar variation 679222 (VCV000679222.1), dbSNP rs743504, ClinGen allele CA14865405.
Genomic context (GRCh38, chr21:46,120,811, plus strand): 5'-CAGGCGGGTGCTGCACCCCAAGGTAAGGGACCAAGGCAAGGGCTGCACCCCAAAGTAGGG[G>A]ACCCAGGTGAGGGCTGCAACCCAAGATAGGGGTGCTTAGGCAGGGGCTACACCCAGAACC-3'